The following is an entry in ClinVar:

ClinVar aggregate classification (germline): Uncertain significance (1 of 4 stars; one submission).

Allele frequency attached by ClinVar (database versions not stated): gnomAD exomes below 0.00001; TOPMed below 0.00001; gnomAD 0.00001.
gnomAD v4.1: 2 of 1,614,050 alleles (0.00012%); highest among the groups gnomAD compares: African/African-American, 0.0013%; no homozygotes.

Submission:

Labcorp Genetics (formerly Invitae), Labcorp
Classification: Uncertain significance. Last evaluated: 2022-09-01. Review status: criteria provided, single submitter. Criteria: Invitae Variant Classification Sherloc (09022015). Collection method: clinical testing. Allele origin: germline.
Comment: This sequence change replaces glycine, which is neutral and non-polar, with arginine, which is basic and polar, at codon 398 of the WHRN protein (p.Gly398Arg). In summary, the available evidence is currently insufficient to determine the role of this variant in disease. Therefore, it has been classified as a Variant of Uncertain Significance. Algorithms developed to predict the effect of missense changes on protein structure and function are either unavailable or do not agree on the potential impact of this missense change (SIFT: "Deleterious"; PolyPhen-2: "Benign"; Align-GVGD: "Class C0"). ClinVar contains an entry for this variant (Variation ID: 1485759). This variant has not been reported in the literature in individuals affected with WHRN-related conditions. This variant is not present in population databases (gnomAD no frequency).

NM_015404.4(WHRN):c.1192G>A (p.Gly398Arg)

Gene: WHRN (whirlin; minus strand). Cytogenetic location: 9q32.
Variant type: single nucleotide variant.
Coding change: c.1192G>A on transcript NM_015404.4 (MANE Select); coding-DNA position 1192, G replaced by A.
Protein change: p.Gly398Arg; replaces glycine 398 with arginine.
Molecular consequence: missense variant.
Genome position (GRCh38, 1-based): chr9:114,424,999, C>T on the plus strand (G>A on the coding strand, the complement: WHRN is on the minus strand). VCF-style: chr9-114424999-C-T. GRCh37 (hg19) VCF-style: chr9-117187279-C-T.
Other names: c.43G>A, p.Gly15Arg (NM_001083885.3); c.1192G>A, p.Gly398Arg (NM_001173425.2); c.139G>A, p.Gly47Arg (NM_001346890.1); short protein forms G47R, G15R, G398R.
Identifiers: ClinVar variation 1485759 (VCV001485759.6), dbSNP rs1483589525, ClinGen allele CA374609400.